The following is an entry in ClinVar:

ClinVar aggregate classification (germline): Pathogenic. Review status: reviewed by expert panel (3 of 4 stars). 2 submissions from 2 submitters: Pathogenic (1). 1 of the submissions does not count toward it. Last evaluated 2017-12-15.

Conditions:
Breast-ovarian cancer, familial, susceptibility to, 2 (BROVCA2). Also called: BRCA2 Hereditary Breast and Ovarian Cancer. Identifiers: Orphanet 145, MedGen C2675520, MONDO:0012933, OMIM 612555. Disease mechanism: loss of function.

Submissions (2):

Evidence-based Network for the Interpretation of Germline Mutant Alleles (ENIGMA)
Classification: Pathogenic for Breast-ovarian cancer, familial, susceptibility to, 2. Last evaluated: 2017-12-15. Review status: reviewed by expert panel. Criteria: ENIGMA BRCA1/2 Classification Criteria (2017-06-29). Collection method: curation. Allele origin: germline. Study: ENIGMA.
Comment: Variant allele predicted to encode a truncated non-functional protein.

Molecular Diagnostics, Rajiv Gandhi Cancer Institute & Research Center
Classification: Pathogenic for Breast-ovarian cancer, familial 2. Review status: criteria provided, single submitter. Criteria: ENIGMA rules, 2015. Collection method: clinical testing. Allele origin: germline. Inheritance: Autosomal dominant inheritance. Affected: yes. Observed: 1 variant allele, 1 heterozygote. Not counted in ClinVar's aggregate classification.
Comment: This mutation was found in exon11 of BRCA2 gene at chr13:32913475, which involved conversion of c.4983T>G (Tyr1661Ter), generating truncated protein, which can affect the gene repairing function.

NM_000059.4(BRCA2):c.4983T>G (p.Tyr1661Ter)

Gene: BRCA2 (BRCA2 DNA repair associated; plus strand). Cytogenetic location: 13q13.1.
Variant type: single nucleotide variant.
Coding change: c.4983T>G on transcript NM_000059.4 (MANE Select); coding-DNA position 4983, T replaced by G.
Protein change: p.Tyr1661Ter; replaces tyrosine 1661 with a stop codon.
Molecular consequence: nonsense.
Genome position (GRCh38, 1-based): chr13:32,339,338, T>G. VCF-style: chr13-32339338-T-G. GRCh37 (hg19) VCF-style: chr13-32913475-T-G.
Other names: short protein forms Y1661*.
Identifiers: ClinVar variation 417624 (VCV000417624.10), dbSNP rs1060499833, ClinGen allele CA16616709.